The following is an entry in ClinVar:

ClinVar aggregate classification (germline): Uncertain significance. Review status: criteria provided, multiple submitters, no conflicts (2 of 4 stars). 3 submissions from 3 submitters: Uncertain significance (3). Last evaluated 2026-01-09.

Conditions:
Inborn genetic diseases. Identifiers: MedGen C0950123, MeSH D030342.

Allele frequency attached by ClinVar (database versions not stated): gnomAD exomes 0.00001 and 0.00002; ExAC 0.00002; TOPMed 0.00002; gnomAD 0.00004; 1000 Genomes Project 30x 0.00016; 1000 Genomes Project 0.00020.
gnomAD v4.1: 26 of 1,595,978 alleles (0.0016%); highest among the groups gnomAD compares: East Asian, 0.0046%; no homozygotes.

Submissions (3):

Ambry Genetics
Classification: Uncertain significance for Inborn genetic diseases. Last evaluated: 2026-01-09. Review status: criteria provided, single submitter. Criteria: Ambry Variant Classification Scheme 2023. Collection method: clinical testing. Allele origin: germline.

Labcorp Genetics (formerly Invitae), Labcorp
Classification: Uncertain significance. Last evaluated: 2024-11-02. Review status: criteria provided, single submitter. Criteria: Invitae Variant Classification Sherloc (09022015). Collection method: clinical testing. Allele origin: germline.
Comment: This sequence change replaces valine, which is neutral and non-polar, with methionine, which is neutral and non-polar, at codon 2941 of the DCHS1 protein (p.Val2941Met). The frequency data for this variant in the population databases is considered unreliable, as metrics indicate poor data quality at this position in the gnomAD database. This variant has not been reported in the literature in individuals affected with DCHS1-related conditions. ClinVar contains an entry for this variant (Variation ID: 1488592). Invitae Evidence Modeling of protein sequence and biophysical properties (such as structural, functional, and spatial information, amino acid conservation, physicochemical variation, residue mobility, and thermodynamic stability) indicates that this missense variant is expected to disrupt DCHS1 protein function with a positive predictive value of 80%. In summary, the available evidence is currently insufficient to determine the role of this variant in disease. Therefore, it has been classified as a Variant of Uncertain Significance.

GeneDx
Classification: Uncertain significance. Last evaluated: 2024-03-10. Review status: criteria provided, single submitter. Criteria: GeneDx Variant Classification Process June 2021. Collection method: clinical testing. Allele origin: germline. Affected: yes.
Comment: In silico analysis supports that this missense variant does not alter protein structure/function; Has not been previously published as pathogenic or benign to our knowledge

NM_003737.4(DCHS1):c.8821G>A (p.Val2941Met)

Gene: DCHS1 (dachsous cadherin-related 1; minus strand). Cytogenetic location: 11p15.4.
Variant type: single nucleotide variant.
Coding change: c.8821G>A on transcript NM_003737.4 (MANE Select); coding-DNA position 8821, G replaced by A.
Protein change: p.Val2941Met; replaces valine 2941 with methionine.
Molecular consequence: missense variant.
Genome position (GRCh38, 1-based): chr11:6,622,855, C>T on the plus strand (G>A on the coding strand, the complement: DCHS1 is on the minus strand). VCF-style: chr11-6622855-C-T. GRCh37 (hg19) VCF-style: chr11-6644086-C-T.
Other names: c.8821G>A (NM_003737.3, NM_003737.2); short protein forms V2941M.
Identifiers: ClinVar variation 1488592 (VCV001488592.8), dbSNP rs576933170, ClinGen allele CA5859352.